The following is an entry in ClinVar:

ClinVar aggregate classification (germline): Uncertain significance (1 of 4 stars; one submission).

Conditions:
Cenani-Lenz syndactyly syndrome. Also called: SYNDACTYLY, TYPE VII; CENANI SYNDACTYLISM. Identifiers: Orphanet 3258, MedGen C1859309, MONDO:0008931, OMIM 212780.
Sclerosteosis 2 (SOST2). Identifiers: Orphanet 3152, MedGen C3280402, MONDO:0013679, OMIM 614305.
Congenital myasthenic syndrome 17. Identifiers: Orphanet 590, MedGen C4225377, MONDO:0014578, OMIM 616304.

Submission:

Labcorp Genetics (formerly Invitae), Labcorp
Classification: Uncertain significance for Cenani-Lenz syndactyly syndrome; Sclerosteosis 2; Congenital myasthenic syndrome 17. Last evaluated: 2021-12-19. Review status: criteria provided, single submitter. Criteria: Invitae Variant Classification Sherloc (09022015). Collection method: clinical testing. Allele origin: germline.
Comment: This sequence change replaces histidine, which is basic and polar, with asparagine, which is neutral and polar, at codon 77 of the LRP4 protein (p.His77Asn). This variant is not present in population databases (gnomAD no frequency). This variant has not been reported in the literature in individuals affected with LRP4-related conditions. Algorithms developed to predict the effect of missense changes on protein structure and function are either unavailable or do not agree on the potential impact of this missense change (SIFT: "Deleterious"; PolyPhen-2: "Benign"; Align-GVGD: "Class C0"). In summary, the available evidence is currently insufficient to determine the role of this variant in disease. Therefore, it has been classified as a Variant of Uncertain Significance.

NM_002334.4(LRP4):c.229C>A (p.His77Asn)

Gene: LRP4 (LDL receptor related protein 4; minus strand). Cytogenetic location: 11p11.2.
Variant type: single nucleotide variant.
Coding change: c.229C>A on transcript NM_002334.4 (MANE Select); coding-DNA position 229, C replaced by A.
Protein change: p.His77Asn; replaces histidine 77 with asparagine.
Molecular consequence: missense variant.
Genome position (GRCh38, 1-based): chr11:46,900,349, G>T on the plus strand (C>A on the coding strand, the complement: LRP4 is on the minus strand). VCF-style: chr11-46900349-G-T. GRCh37 (hg19) VCF-style: chr11-46921900-G-T.
Other names: short protein forms H77N.
Identifiers: ClinVar variation 1980314 (VCV001980314.4), dbSNP rs2539779284, ClinGen allele CA380290469.